The following is an entry in ClinVar:

ClinVar aggregate classification (germline): Uncertain significance. Review status: criteria provided, multiple submitters, no conflicts (2 of 4 stars). 2 submissions from 2 submitters: Uncertain significance (2). Last evaluated 2025-12-23.

Conditions:
TUBG1-related disorder. Also called: TUBG1-related condition.
Inborn genetic diseases. Identifiers: MedGen C0950123, MeSH D030342.

Submissions (2):

PreventionGenetics, part of Exact Sciences
Classification: Uncertain significance for TUBG1-related condition. Last evaluated: 2025-12-23. Review status: criteria provided, single submitter. Criteria: ACMG Guidelines, 2015. Collection method: clinical testing. Allele origin: germline.
Comment: The TUBG1 c.1178G>A variant is predicted to result in the amino acid substitution p.Arg393His. To our knowledge, this variant has not been reported in the literature. This variant is reported in 0.0046% of alleles in individuals of European (Non-Finnish) descent in gnomAD. At this time, the clinical significance of this variant is uncertain due to the absence of conclusive functional and genetic evidence.

Ambry Genetics
Classification: Uncertain significance for Inborn genetic diseases. Last evaluated: 2024-12-05. Review status: criteria provided, single submitter. Criteria: Ambry Variant Classification Scheme 2023. Collection method: clinical testing. Allele origin: germline.

NM_001070.5(TUBG1):c.1178G>A (p.Arg393His)

Gene: TUBG1 (tubulin gamma 1; plus strand). Cytogenetic location: 17q21.2.
Variant type: single nucleotide variant.
Coding change: c.1178G>A on transcript NM_001070.5 (MANE Select); coding-DNA position 1178, G replaced by A.
Protein change: p.Arg393His; replaces arginine 393 with histidine.
Molecular consequence: missense variant.
Genome position (GRCh38, 1-based): chr17:42,614,863, G>A. VCF-style: chr17-42614863-G-A. GRCh37 (hg19) VCF-style: chr17-40766881-G-A.
Other names: short protein forms R393H.
Identifiers: ClinVar variation 3464363 (VCV003464363.2).
Genomic context (GRCh38, chr17:42,614,863, plus strand): 5'-TTTGAAGTTCTTTGTAACCCCTGTTTTCTGCACACCCCAAGCTCTTCGAGAGAACCTGTC[G>A]CCAGTATGACAAGCTGCGTAAGCGGGAGGCCTTCCTGGAGCAGTTCCGCAAGGAGGACAT-3'
Protein context (NP_001061.2, residues 383-403): SISSLFERTC[Arg393His]QYDKLRKREA